The following is an entry in ClinVar:

NM_000404.4(GLB1):c.557A>C (p.Glu186Ala)

Gene: GLB1 (galactosidase beta 1; minus strand). Cytogenetic location: 3p22.3.
Variant type: single nucleotide variant.
Coding change: c.557A>C on transcript NM_000404.4 (MANE Select); coding-DNA position 557, A replaced by C.
Protein change: p.Glu186Ala; replaces glutamic acid 186 with alanine.
Molecular consequence: missense variant. On other transcripts: intron variant (1).
Genome position (GRCh38, 1-based): chr3:33,058,265, T>G on the plus strand (A>C on the coding strand, the complement: GLB1 is on the minus strand). VCF-style: chr3-33058265-T-G. GRCh37 (hg19) VCF-style: chr3-33099757-T-G.
Other names: c.467A>C, p.Glu156Ala (NM_001079811.3); c.701A>C, p.Glu234Ala (NM_001317040.2); c.341-4716A>C (NM_001135602.3); short protein forms E156A, E186A, E234A.
Identifiers: ClinVar variation 1066585 (VCV001066585.9), dbSNP rs779023917, ClinGen allele CA72670727.

ClinVar aggregate classification (germline): Pathogenic/Likely pathogenic. Review status: criteria provided, multiple submitters, no conflicts (2 of 4 stars). 5 submissions from 5 submitters: Pathogenic (1); Likely pathogenic (4). Last evaluated 2026-02-11.

Conditions:
Lysosomal storage disease. Also called: Lysosomal storage disorder. Identifiers: Orphanet 68366, MedGen C0085078, MONDO:0002561.
GM1 gangliosidosis. Identifiers: Orphanet 354, MedGen C0085131, MONDO:0018149.
Mucopolysaccharidosis, MPS-IV-B (MPS4B). Also called: Mucopolysaccharidosis type 4B; Mucopolysaccharidosis Type IVB (Morquio B Disease); Mucopolysaccharidosis type IVB (Morquio); MPS IVB; MORQUIO SYNDROME B; Mucopolysaccharidosis type IV B. Identifiers: Orphanet 309310, Orphanet 582, MedGen C0086652, MONDO:0009660, OMIM 253010.
GLB1-related disorder. Also called: GLB1-related disorders. Identifiers: MedGen CN377807.

Allele frequency attached by ClinVar (database versions not stated): gnomAD exomes 0.00001 and 0.00003; gnomAD 0.00002; TOPMed 0.00003.
gnomAD v4.1: 47 of 1,614,058 alleles (0.0029%); highest among the groups gnomAD compares: Non-Finnish European, 0.0038%; no homozygotes.

Submissions (5):

Genetics Laboratory, Great Ormond Street Hospital NHS Foundation Trust, North Thames Genomic Laboratory Hub
Classification: Pathogenic for Lysosomal storage disorder. Last evaluated: 2026-02-11. Review status: criteria provided, single submitter. Criteria: ACGS Best Practice Guidelines for Variant Classification in Rare Disease 2024 v1.2. Collection method: clinical testing. Allele origin: germline. Affected: yes.
Comment: PM2_moderate, PP3_supporting, PS3_supporting, PM3_moderate, PP4_strong

Natera, Inc.
Classification: Likely pathogenic for Mucopolysaccharidosis, MPS-IV-B. Last evaluated: 2025-12-05. Review status: criteria provided, single submitter. Criteria: Natera Variant Classification Schema (03/2026). Collection method: clinical testing. Allele origin: germline.
Comment: The c.557A>C variant in GLB1 is a missense variant predicted to cause substitution of glutamic acid to alanine at amino acid 186. This variant is rare in the general population with a frequency below the threshold expected for the associated phenotype(s). This variant has been observed in one or more individuals affected with the associated recessive disease, as either homozygous or compound heterozygous with a second variant (PMID: 25600812). Functional studies show that this variant may disrupt protein function (PMID: 25600812). Computational prediction algorithms indicate this variant is likely to affect gene or protein function. Given the available evidence, this variant is classified as Likely Pathogenic.

Blueprint Genetics
Classification: Likely pathogenic for GLB1-related disorders. Last evaluated: 2024-08-26. Review status: criteria provided, single submitter. Criteria: ACMG Guidelines, 2015. Collection method: clinical testing. Allele origin: germline. Affected: yes. Observed: 5 variant alleles.

Labcorp Genetics (formerly Invitae), Labcorp
Classification: Likely pathogenic for Mucopolysaccharidosis, MPS-IV-B; GM1 gangliosidosis. Last evaluated: 2023-04-17. Review status: criteria provided, single submitter. Criteria: Invitae Variant Classification Sherloc (09022015). Collection method: clinical testing. Allele origin: germline.
Comment: This sequence change replaces glutamic acid, which is acidic and polar, with alanine, which is neutral and non-polar, at codon 186 of the GLB1 protein (p.Glu186Ala). In summary, the currently available evidence indicates that the variant is pathogenic, but additional data are needed to prove that conclusively. Therefore, this variant has been classified as Likely Pathogenic. Experimental studies have shown that this missense change affects GLB1 function (PMID: 25600812). Advanced modeling of protein sequence and biophysical properties (such as structural, functional, and spatial information, amino acid conservation, physicochemical variation, residue mobility, and thermodynamic stability) performed at Invitae indicates that this missense variant is expected to disrupt GLB1 protein function. ClinVar contains an entry for this variant (Variation ID: 1066585). This missense change has been observed in individual(s) with GM1 gangliosidosis (PMID: 25600812). This variant is present in population databases (rs779023917, gnomAD 0.002%).

Women's Health and Genetics/Laboratory Corporation of America, LabCorp
Classification: Likely pathogenic for GM1 gangliosidosis. Last evaluated: 2021-09-17. Review status: criteria provided, single submitter. Criteria: LabCorp Variant Classification Summary - May 2015. Collection method: clinical testing. Allele origin: germline.
Comment: Variant summary: GLB1 c.557A>C (p.Glu186Ala) results in a non-conservative amino acid change located in the Glycoside hydrolase 35, catalytic domain (IPR031330) of the encoded protein sequence. Five of five in-silico tools predict a damaging effect of the variant on protein function. The variant allele was found at a frequency of 8.1e-06 in 248016 control chromosomes (gnomAD). c.557A>C has been reported in the literature in a homozygous individual affected with GM1 Gangliosidosis (Kwak_2015). These data indicate that the variant may be associated with disease. This publication also reported experimental evidence evaluating an impact on protein function, and demonstrated that the variant results in severely reduced enzyme activity, in addition, authors also noted that patient derived fibroblasts showed massive accumulation of GM1 ganglioside (Kwak_2015). In silico structural analyses predicted that this variant could be critical for enzyme activity (Kwak_2015). One clinical diagnostic laboratory has submitted clinical-significance assessments for this variant to ClinVar after 2014, and classified the variant as likely pathogenic. Based on the evidence outlined above, the variant was classified as likely pathogenic.

Literature cited by the submitters: PubMed 25600812 (cited by 3 submitters).